The following is an entry in ClinVar:

ClinVar aggregate classification (germline): Benign. Review status: criteria provided, multiple submitters, no conflicts (2 of 4 stars). 2 submissions from 2 submitters: Benign (2). Last evaluated 2021-06-19.

Allele frequency attached by ClinVar (database versions not stated): gnomAD 0.72193 and 0.72518; TOPMed 0.72661; 1000 Genomes Project 30x 0.73860; 1000 Genomes Project 0.74301; gnomAD exomes 0.75965.

Submissions (2):

GeneDx
Classification: Benign. Last evaluated: 2021-06-19. Review status: criteria provided, single submitter. Criteria: GeneDx Variant Classification Process June 2021. Collection method: clinical testing. Allele origin: germline. Affected: yes.
Comment: This variant is associated with the following publications: (PMID: 11335891)

Breakthrough Genomics
Classification: Benign. Review status: criteria provided, single submitter. Criteria: ACMG Guidelines, 2015. Collection method: not provided. Allele origin: germline. Inheritance: Unknown mechanism. Affected: yes.

NC_000007.14:g.95324637T>C

Genes: PON1 (paraoxonase 1; minus strand), LOC129998829 (ATAC-STARR-seq lymphoblastoid silent region 18382; plus strand). Cytogenetic location: 7q21.3.
Variant type: single nucleotide variant.
Genome position: GRCh38 VCF-style: chr7-95324637-T-C. GRCh37 (hg19) VCF-style: chr7-94953949-T-C.
Identifiers: ClinVar variation 1268484 (VCV001268484.3), dbSNP rs705381, ClinGen allele CA12568751.
Genomic context (GRCh38, chr7:95,324,637, plus strand): 5'-CGCCCCGCCCCTCCCCGCCGGGTCGGCAGCTAGCTGGGCCGACCAGGTGCACAGAAGGCG[T>C]GGCTTGCGGTCAGCCCCCACCGCAGGAGCTCAGCACTTTCAGCCAAAAGTCCCATTTTGC-3'